The following is an entry in ClinVar:

NM_182548.4(LHFPL5):c.300del (p.Phe100fs)

Gene: LHFPL5 (LHFPL tetraspan subfamily member 5; plus strand). Cytogenetic location: 6p21.31.
Variant type: Deletion.
Coding change: c.300del on transcript NM_182548.4 (MANE Select); coding-DNA position 300, one base deleted (T; older notation c.300delT).
Protein change: p.Phe100fs; shifts the reading frame from phenylalanine 100.
Molecular consequence: frameshift variant.
Genome position (GRCh38, 1-based): chr6:35,805,970, T deleted; the last of 3 consecutive T bases (chr6:35,805,968-35,805,970); deleting any one gives the same sequence. VCF-style (leftmost placement, unchanged base first): chr6-35805967-CT-C. GRCh37 (hg19) VCF-style: chr6-35773744-CT-C.
Other names: short protein forms F100fs.
Identifiers: ClinVar variation 3375483 (VCV003375483.2).

ClinVar aggregate classification (germline): Likely pathogenic (1 of 4 stars; one submission).

Conditions:
Autosomal recessive nonsyndromic hearing loss 67. Identifiers: Orphanet 90636, MedGen C1853223, MONDO:0012460, OMIM 610265.

Submission:

Equipe Genetique des Anomalies du Developpement, Université de Bourgogne
Classification: Likely pathogenic for Autosomal recessive nonsyndromic hearing loss 67. Last evaluated: 2024-06-17. Review status: criteria provided, single submitter. Criteria: ACMG Guidelines, 2015. Collection method: clinical testing. Allele origin: germline. Affected: yes.
Comment: This variant leads to the apparition of a premature stop codon in the LHFPL5 gene. It was found in a homozygous state. This variant is absent from gnomAD (v.4.1.0). Loss of function biallelic variants in the LHFPL5 gene are responsible for nonsyndromic deafness (OMIM #610265) with an autosomal recessive form of transmission (PMID: 30476627). Based on the available evidence, this variant is classified according to the ACMG criteria as probably pathogenic.

Literature cited by the submitters: PubMed 30476627.